The following is an entry in ClinVar:

ClinVar aggregate classification (germline): Conflicting classifications of pathogenicity. Review status: criteria provided, conflicting classifications (1 of 4 stars). 4 submissions from 4 submitters: Uncertain significance (2); Likely benign (1). 1 of the submissions does not count toward it. Last evaluated 2025-08-06.

Conditions:
Primary ciliary dyskinesia. Also called: Ciliary dyskinesia. Identifiers: Orphanet 244, MedGen C0008780, MONDO:0016575, HP:0012265.
DNAH8-related disorder. Also called: DNAH8-related condition.

Allele frequency attached by ClinVar (database versions not stated): TOPMed 0.00094; ESP Exome Variant Server 0.00108; gnomAD exomes 0.00007 and 0.00018; ExAC 0.00021; 1000 Genomes Project 0.00060; 1000 Genomes Project 30x 0.00062; gnomAD 0.00078 and 0.00087.
gnomAD v4.1: 232 of 1,612,664 alleles (0.014%); highest among the groups gnomAD compares: African/African-American, 0.26%; no homozygotes.

Submissions (4):

Labcorp Genetics (formerly Invitae), Labcorp
Classification: Likely benign for Primary ciliary dyskinesia. Last evaluated: 2025-08-06. Review status: criteria provided, single submitter. Criteria: Invitae Variant Classification Sherloc (09022015). Collection method: clinical testing. Allele origin: germline.

Mayo Clinic Laboratories, Mayo Clinic
Classification: Uncertain significance. Last evaluated: 2024-08-07. Review status: criteria provided, single submitter. Criteria: ACMG Guidelines, 2015. Collection method: clinical testing. Allele origin: germline. Observed: 1 variant allele.

Ambry Genetics
Classification: Uncertain significance. Last evaluated: 2023-07-06. Review status: criteria provided, single submitter. Criteria: Ambry Variant Classification Scheme 2023. Collection method: clinical testing. Allele origin: germline.

PreventionGenetics, part of Exact Sciences
Classification: Likely benign for DNAH8-related condition. Last evaluated: 2021-04-07. Review status: no assertion criteria provided. Collection method: clinical testing. Allele origin: germline. Not counted in ClinVar's aggregate classification.
Comment: This variant is classified as likely benign based on ACMG/AMP sequence variant interpretation guidelines (Richards et al. 2015 PMID: 25741868, with internal and published modifications).

NM_001206927.2(DNAH8):c.13747C>T (p.Arg4583Cys)

Gene: DNAH8 (dynein axonemal heavy chain 8; plus strand). Cytogenetic location: 6p21.2.
Variant type: single nucleotide variant.
Coding change: c.13747C>T on transcript NM_001206927.2 (MANE Select); coding-DNA position 13747, C replaced by T.
Protein change: p.Arg4583Cys; replaces arginine 4583 with cysteine.
Molecular consequence: missense variant.
Genome position (GRCh38, 1-based): chr6:39,026,578, C>T. VCF-style: chr6-39026578-C-T. GRCh37 (hg19) VCF-style: chr6-38994354-C-T.
Other names: p.Arg4583Cys; c.13096C>T, p.Arg4366Cys (NM_001371.4); short protein forms R4366C, R4583C.
Identifiers: ClinVar variation 970031 (VCV000970031.14), dbSNP rs144505769, ClinGen allele CA3791760.